The following is an entry in ClinVar:

NM_001003800.2(BICD2):c.889G>A (p.Glu297Lys)

Gene: BICD2 (BICD cargo adaptor 2; minus strand). Cytogenetic location: 9q22.31.
Variant type: single nucleotide variant.
Coding change: c.889G>A on transcript NM_001003800.2 (MANE Select); coding-DNA position 889, G replaced by A.
Protein change: p.Glu297Lys; replaces glutamic acid 297 with lysine.
Molecular consequence: missense variant.
Genome position (GRCh38, 1-based): chr9:92,720,473, C>T on the plus strand (G>A on the coding strand, the complement: BICD2 is on the minus strand). VCF-style: chr9-92720473-C-T. GRCh37 (hg19) VCF-style: chr9-95482755-C-T.
Other names: c.889G>A, p.Glu297Lys (NM_015250.4); short protein forms E297K.
Identifiers: ClinVar variation 848270 (VCV000848270.10), dbSNP rs770331418, ClinGen allele CA5126702.
Genomic context (GRCh38, chr9:92,720,473, plus strand): 5'-TCTTGTTGTCCAGTGGCAGCTTGGCCAGGCCGCCGTGCTCAAAGCCATTGACCAGGGCCT[C>T]GGCATCGTTGTTGGGCTCGGCAGCATCGTCACTGAACTTGAGGCCATCCAGCGAGACATG-3'
Protein context (NP_001003800.1, residues 287-307): DDAAEPNNDA[Glu297Lys]ALVNGFEHGG

ClinVar aggregate classification (germline): Uncertain significance (1 of 4 stars; one submission).

Conditions:
Autosomal dominant childhood-onset proximal spinal muscular atrophy with contractures (SMALED2A). Also called: SPINAL MUSCULAR ATROPHY, LOWER EXTREMITY-PREDOMINANT, 2A, CHILDHOOD ONSET, AUTOSOMAL DOMINANT; Spinal muscular atrophy, lower extremity-predominant, 2A, autosomal dominant. Identifiers: Orphanet 363447, Orphanet 363454, MedGen C4747715, MONDO:0014121, OMIM 615290.

Allele frequency attached by ClinVar (database versions not stated): gnomAD exomes below 0.00001 and 0.00001; ExAC 0.00001; gnomAD 0.00001; TOPMed 0.00001.
gnomAD v4.1: 11 of 1,614,036 alleles (0.00068%); highest among the groups gnomAD compares: African/African-American, 0.0013%; no homozygotes.

Submission:

Labcorp Genetics (formerly Invitae), Labcorp
Classification: Uncertain significance for Autosomal dominant childhood-onset proximal spinal muscular atrophy with contractures. Last evaluated: 2019-03-17. Review status: criteria provided, single submitter. Criteria: Invitae Variant Classification Sherloc (09022015). Collection method: clinical testing. Allele origin: germline.
Comment: Algorithms developed to predict the effect of missense changes on protein structure and function are either unavailable or do not agree on the potential impact of this missense change (SIFT: "Tolerated"; PolyPhen-2: "Possibly Damaging"; Align-GVGD: "Class C0"). In summary, the available evidence is currently insufficient to determine the role of this variant in disease. Therefore, it has been classified as a Variant of Uncertain Significance. This variant has not been reported in the literature in individuals with BICD2-related conditions. This variant is present in population databases (rs770331418, ExAC 0.001%). This sequence change replaces glutamic acid with lysine at codon 297 of the BICD2 protein (p.Glu297Lys). The glutamic acid residue is moderately conserved and there is a small physicochemical difference between glutamic acid and lysine.